The following is an entry in ClinVar:

NC_000023.10:g.(?_22239710)_(22245748_?)del

Gene: PHEX (phosphate regulating endopeptidase X-linked; plus strand). Cytogenetic location: Xp22.11.
Variant type: Deletion.
Identifiers: ClinVar variation 2423106 (VCV002423106.4).

ClinVar aggregate classification (germline): Pathogenic (1 of 4 stars; one submission).

Submission:

Labcorp Genetics (formerly Invitae), Labcorp
Classification: Pathogenic. Last evaluated: 2021-12-26. Review status: criteria provided, single submitter. Criteria: Invitae Variant Classification Sherloc (09022015). Collection method: clinical testing. Allele origin: germline.
Comment: For these reasons, this variant has been classified as Pathogenic. This variant has not been reported in the literature in individuals affected with PHEX-related conditions. This variant is a gross deletion of the genomic region encompassing exon(s) 18-20 of the PHEX gene. This deletion is out-of-frame, and is expected to create a premature termination codon and result in an absent or disrupted protein product. Loss-of-function variants in PHEX are known to be pathogenic (PMID: 9097956, 9106524, 19219621).

Literature cited by the submitters: PubMed 9097956; PubMed 9106524; PubMed 19219621.